The following is an entry in ClinVar:

ClinVar aggregate classification (germline): Uncertain significance (1 of 4 stars; one submission).

Conditions:
Gnathodiaphyseal dysplasia (GDD). Also called: GNATHODIAPHYSEAL SCLEROSIS; OSTEOGENESIS IMPERFECTA WITH UNUSUAL SKELETAL LESIONS. Identifiers: Orphanet 53697, MedGen C1833736, MONDO:0008151, OMIM 166260.
Autosomal recessive limb-girdle muscular dystrophy type 2L (LGMDR12). Also called: Limb-girdle muscular dystrophy, type 2L; MUSCULAR DYSTROPHY, LIMB-GIRDLE, AUTOSOMAL RECESSIVE 12; Limb-Girdle Muscular Dystrophy R12 Anoctamin-5-Related (LGMD-R12). Identifiers: Orphanet 206549, MedGen C1969785, MONDO:0012652, OMIM 611307.

Submission:

Labcorp Genetics (formerly Invitae), Labcorp
Classification: Uncertain significance for Autosomal recessive limb-girdle muscular dystrophy type 2L; Gnathodiaphyseal dysplasia. Last evaluated: 2025-04-28. Review status: criteria provided, single submitter. Criteria: Invitae Variant Classification Sherloc (09022015). Collection method: clinical testing. Allele origin: germline.
Comment: This sequence change replaces glutamic acid, which is acidic and polar, with aspartic acid, which is acidic and polar, at codon 672 of the ANO5 protein (p.Glu672Asp). This variant is not present in population databases (gnomAD no frequency). This variant has not been reported in the literature in individuals affected with ANO5-related conditions. Invitae Evidence Modeling of protein sequence and biophysical properties (such as structural, functional, and spatial information, amino acid conservation, physicochemical variation, residue mobility, and thermodynamic stability) has been performed for this missense variant. However, the output from this modeling did not meet the statistical confidence thresholds required to predict the impact of this variant on ANO5 protein function. In summary, the available evidence is currently insufficient to determine the role of this variant in disease. Therefore, it has been classified as a Variant of Uncertain Significance.

NM_213599.3(ANO5):c.2016G>C (p.Glu672Asp)

Gene: ANO5 (anoctamin 5; plus strand). Cytogenetic location: 11p14.3.
Variant type: single nucleotide variant.
Coding change: c.2016G>C on transcript NM_213599.3 (MANE Select); coding-DNA position 2016, G replaced by C.
Protein change: p.Glu672Asp; replaces glutamic acid 672 with aspartic acid.
Molecular consequence: missense variant.
Genome position (GRCh38, 1-based): chr11:22,270,429, G>C. VCF-style: chr11-22270429-G-C. GRCh37 (hg19) VCF-style: chr11-22291975-G-C.
Other names: c.1938G>C, p.Glu646Asp (NM_001441294.1); c.1935G>C, p.Glu645Asp (NM_001441295.1); c.1923G>C, p.Glu641Asp (NM_001441296.1); c.1896G>C, p.Glu632Asp (NM_001441297.1); c.1860G>C, p.Glu620Asp (NM_001441298.1); c.1857G>C, p.Glu619Asp (NM_001441299.1); c.1581G>C, p.Glu527Asp (NM_001441300.1); c.1578G>C, p.Glu526Asp (NM_001441301.1); and 4 more; short protein forms E620D, E632D, E641D, E657D, E671D, E672D, E527D, E510D.
Identifiers: ClinVar variation 4789399 (VCV004789399.1).